The following is an entry in ClinVar:

ClinVar aggregate classification (germline): Likely benign (0 of 4 stars; one submission).

Conditions:
ARHGEF28-related disorder. Also called: ARHGEF28-related condition.

gnomAD v4.1: 21 of 1,599,212 alleles (0.0013%); highest among the groups gnomAD compares: Middle Eastern, 0.017%; 1 homozygote.

Submission:

PreventionGenetics, part of Exact Sciences
Classification: Likely benign for ARHGEF28-related condition. Last evaluated: 2023-04-07. Review status: no assertion criteria provided. Collection method: clinical testing. Allele origin: germline.
Comment: This variant is classified as likely benign based on ACMG/AMP sequence variant interpretation guidelines (Richards et al. 2015 PMID: 25741868, with internal and published modifications).

NM_001177693.2(ARHGEF28):c.840+10T>C

Gene: ARHGEF28 (Rho guanine nucleotide exchange factor 28; plus strand). Cytogenetic location: 5q13.2.
Variant type: single nucleotide variant.
Coding change: c.840+10T>C on transcript NM_001177693.2 (MANE Select); 10 bases into the intron after coding-DNA position 840, T replaced by C.
Molecular consequence: intron variant.
Genome position (GRCh38, 1-based): chr5:73,776,706, T>C. VCF-style: chr5-73776706-T-C. GRCh37 (hg19) VCF-style: chr5-73072531-T-C.
Other names: c.840+10T>C (NM_001080479.3, NM_001388078.1); c.546+10T>C (NM_001388076.1).
Identifiers: ClinVar variation 3351651 (VCV003351651.1).